The following is an entry in ClinVar:

ClinVar aggregate classification (germline): Uncertain significance (1 of 4 stars; one submission).

Conditions:
Gorlin syndrome. Also called: Nevoid Basal Cell Carcinoma Syndrome; Basal cell nevus syndrome. Identifiers: Orphanet 377, MedGen C0004779, MONDO:0007187.
Medulloblastoma (MDB). Also called: MEDULLOBLASTOMA PREDISPOSITION SYNDROME; Medulloblastoma, somatic. Identifiers: Orphanet 616, MedGen C0025149, MeSH D008527, MONDO:0007959, OMIM 155255, HP:0002885.

Submission:

Labcorp Genetics (formerly Invitae), Labcorp
Classification: Uncertain significance for Gorlin syndrome; Medulloblastoma. Last evaluated: 2025-12-24. Review status: criteria provided, single submitter. Criteria: Invitae Variant Classification Sherloc (09022015). Collection method: clinical testing. Allele origin: germline.
Comment: This sequence change replaces asparagine, which is neutral and polar, with isoleucine, which is neutral and non-polar, at codon 83 of the SUFU protein (p.Asn83Ile). This variant is not present in population databases (gnomAD no frequency). This variant has not been reported in the literature in individuals affected with SUFU-related conditions. Invitae Evidence Modeling of protein sequence and biophysical properties (such as structural, functional, and spatial information, amino acid conservation, physicochemical variation, residue mobility, and thermodynamic stability) indicates that this missense variant is not expected to disrupt SUFU protein function with a negative predictive value of 80%. In summary, the available evidence is currently insufficient to determine the role of this variant in disease. Therefore, it has been classified as a Variant of Uncertain Significance.

NM_016169.4(SUFU):c.248A>T (p.Asn83Ile)

Gene: SUFU (SUFU negative regulator of hedgehog signaling; plus strand). Cytogenetic location: 10q24.32.
Variant type: single nucleotide variant.
Coding change: c.248A>T on transcript NM_016169.4 (MANE Select); coding-DNA position 248, A replaced by T.
Protein change: p.Asn83Ile; replaces asparagine 83 with isoleucine.
Molecular consequence: missense variant.
Genome position (GRCh38, 1-based): chr10:102,509,234, A>T. VCF-style: chr10-102509234-A-T. GRCh37 (hg19) VCF-style: chr10-104268991-A-T.
Other names: c.248A>T, p.Asn83Ile (NM_001178133.2); short protein forms N83I.
Identifiers: ClinVar variation 4782574 (VCV004782574.1).